The following is an entry in ClinVar:

NM_000554.6(CRX):c.11A>G (p.Tyr4Cys)

Gene: CRX (cone-rod homeobox; plus strand). Cytogenetic location: 19q13.33.
Variant type: single nucleotide variant.
Coding change: c.11A>G on transcript NM_000554.6 (MANE Select); coding-DNA position 11, A replaced by G.
Protein change: p.Tyr4Cys; replaces tyrosine 4 with cysteine.
Molecular consequence: missense variant.
Genome position (GRCh38, 1-based): chr19:47,834,454, A>G. VCF-style: chr19-47834454-A-G. GRCh37 (hg19) VCF-style: chr19-48337711-A-G.
Other names: short protein forms Y4C.
Identifiers: ClinVar variation 1023327 (VCV001023327.9), dbSNP rs1211313175, ClinGen allele CA406628612.

ClinVar aggregate classification (germline): Uncertain significance. Review status: criteria provided, multiple submitters, no conflicts (2 of 4 stars). 2 submissions from 2 submitters: Uncertain significance (2). Last evaluated 2025-10-01.

Conditions:
Cone-rod dystrophy 2 (CORD2). Also called: CONE-ROD RETINAL DYSTROPHY; Cone-rod retinal dystrophy 2. Identifiers: Orphanet 1872, MedGen C3489532, MONDO:0007362, OMIM 120970.
Leber congenital amaurosis 7 (LCA7). Identifiers: Orphanet 65, MedGen C3151192, MONDO:0013449, OMIM 613829.

Allele frequency attached by ClinVar (database versions not stated): gnomAD 0.00001 and 0.00002; gnomAD exomes 0.00001 and 0.00002; TOPMed 0.00001.
gnomAD v4.1: 11 of 1,613,918 alleles (0.00068%); highest among the groups gnomAD compares: Admixed American, 0.0067%; no homozygotes.

Submissions (2):

Labcorp Genetics (formerly Invitae), Labcorp
Classification: Uncertain significance for Cone-rod dystrophy 2; Leber congenital amaurosis 7. Last evaluated: 2025-10-01. Review status: criteria provided, single submitter. Criteria: Invitae Variant Classification Sherloc (09022015). Collection method: clinical testing. Allele origin: germline.
Comment: This sequence change replaces tyrosine, which is neutral and polar, with cysteine, which is neutral and slightly polar, at codon 4 of the CRX protein (p.Tyr4Cys). This variant is present in population databases (no rsID available, gnomAD 0.003%). This missense change has been observed in individual(s) with clinical features of CRX-related conditions (internal data). ClinVar contains an entry for this variant (Variation ID: 1023327). Invitae Evidence Modeling of protein sequence and biophysical properties (such as structural, functional, and spatial information, amino acid conservation, physicochemical variation, residue mobility, and thermodynamic stability) has been performed for this missense variant. However, the output from this modeling did not meet the statistical confidence thresholds required to predict the impact of this variant on CRX protein function. In summary, the available evidence is currently insufficient to determine the role of this variant in disease. Therefore, it has been classified as a Variant of Uncertain Significance.

Breakthrough Genomics
Classification: Uncertain significance. Review status: criteria provided, single submitter. Criteria: ACMG Guidelines, 2015. Collection method: not provided. Allele origin: germline. Inheritance: Autosomal dominant inheritance. Affected: yes.